The following is an entry in ClinVar:

ClinVar aggregate classification (germline): Likely pathogenic (1 of 4 stars; one submission).

Conditions:
Amyotrophic lateral sclerosis type 1 (ALS1). Also called: AMYOTROPHIC LATERAL SCLEROSIS 1, FAMILIAL. Identifiers: Orphanet 803, MedGen C1862939, MONDO:0007103, OMIM 105400.

Submission:

MGZ Medical Genetics Center
Classification: Likely pathogenic for Amyotrophic lateral sclerosis type 1. Last evaluated: 2021-09-10. Review status: criteria provided, single submitter. Criteria: ACMG Guidelines, 2015. Collection method: clinical testing. Allele origin: germline. Affected: yes. Observed: 1 variant allele.
Comment: ACMG criteria applied: PS2, PM2_SUP, PP3

NM_001080421.3(UNC13A):c.1668C>A (p.Phe556Leu)

Gene: UNC13A (unc-13 homolog A; minus strand). Cytogenetic location: 19p13.11.
Variant type: single nucleotide variant.
Coding change: c.1668C>A on transcript NM_001080421.3 (MANE Select); coding-DNA position 1668, C replaced by A.
Protein change: p.Phe556Leu; replaces phenylalanine 556 with leucine.
Molecular consequence: missense variant.
Genome position (GRCh38, 1-based): chr19:17,648,579, G>T on the plus strand (C>A on the coding strand, the complement: UNC13A is on the minus strand). VCF-style: chr19-17648579-G-T. GRCh37 (hg19) VCF-style: chr19-17759388-G-T.
Other names: c.1662C>A, p.Phe554Leu (NM_001387021.1, NM_001387022.1, NM_001387023.1); short protein forms F554L, F556L.
Identifiers: ClinVar variation 1709996 (VCV001709996.2), dbSNP rs2513075471, ClinGen allele CA404727578.